The following is an entry in ClinVar:

ClinVar aggregate classification (germline): Uncertain significance. Review status: criteria provided, multiple submitters, no conflicts (2 of 4 stars). 2 submissions from 2 submitters: Uncertain significance (2). Last evaluated 2024-03-21.

Conditions:
Dystonia 28, childhood-onset (DYT28). Also called: KMT2B-Related Dystonia (DYT-KMT2B). Identifiers: Orphanet 589618, MedGen C4310633, MONDO:0015004, OMIM 617284.

Allele frequency attached by ClinVar (database versions not stated): gnomAD exomes below 0.00001; TOPMed below 0.00001.
gnomAD v4.1: 4 of 1,551,958 alleles (0.00026%); highest among the groups gnomAD compares: Admixed American, 0.0078%; no homozygotes.

Submissions (2):

Labcorp Genetics (formerly Invitae), Labcorp
Classification: Uncertain significance. Last evaluated: 2024-03-21. Review status: criteria provided, single submitter. Criteria: Invitae Variant Classification Sherloc (09022015). Collection method: clinical testing. Allele origin: germline.
Comment: This sequence change replaces glutamic acid, which is acidic and polar, with glycine, which is neutral and non-polar, at codon 372 of the KMT2B protein (p.Glu372Gly). This variant is not present in population databases (gnomAD no frequency). This variant has not been reported in the literature in individuals affected with KMT2B-related conditions. ClinVar contains an entry for this variant (Variation ID: 1696510). Advanced modeling of protein sequence and biophysical properties (such as structural, functional, and spatial information, amino acid conservation, physicochemical variation, residue mobility, and thermodynamic stability) performed at Invitae indicates that this missense variant is not expected to disrupt KMT2B protein function with a negative predictive value of 95%. In summary, the available evidence is currently insufficient to determine the role of this variant in disease. Therefore, it has been classified as a Variant of Uncertain Significance.

New York Genome Center
Classification: Uncertain significance for Dystonia 28, childhood-onset. Last evaluated: 2021-07-09. Review status: criteria provided, single submitter. Criteria: NYGC Assertion Criteria 2020. Collection method: clinical testing. Allele origin: germline. Observed: 1 heterozygote. Study: CSER-NYCKidSeq.

NM_014727.3(KMT2B):c.1115A>G (p.Glu372Gly)

Gene: KMT2B (lysine methyltransferase 2B; plus strand). Cytogenetic location: 19q13.12.
Variant type: single nucleotide variant.
Coding change: c.1115A>G on transcript NM_014727.3 (MANE Select); coding-DNA position 1115, A replaced by G.
Protein change: p.Glu372Gly; replaces glutamic acid 372 with glycine.
Molecular consequence: missense variant.
Genome position (GRCh38, 1-based): chr19:35,720,462, A>G. VCF-style: chr19-35720462-A-G. GRCh37 (hg19) VCF-style: chr19-36211364-A-G.
Other names: short protein forms E372G.
Identifiers: ClinVar variation 1696510 (VCV001696510.3), dbSNP rs1969140079, ClinGen allele CA405384635.